The following is an entry in ClinVar:

ClinVar aggregate classification (germline): Uncertain significance (1 of 4 stars; one submission).

gnomAD v4.1: 1 of 1,613,118 alleles (0.000062%); highest among the groups gnomAD compares: Admixed American, 0.0017%; no homozygotes.

Submission:

GeneDx
Classification: Uncertain significance. Last evaluated: 2024-04-24. Review status: criteria provided, single submitter. Criteria: GeneDx Variant Classification Process June 2021. Collection method: clinical testing. Allele origin: germline. Affected: yes.
Comment: In silico analysis supports that this missense variant does not alter protein structure/function; Has not been previously published as pathogenic or benign to our knowledge; Reported using an alternate transcript of the gene

NM_001127598.3(IGF2):c.46G>A (p.Glu16Lys)

Genes: IGF2 (insulin like growth factor 2; minus strand), INS-IGF2 (INS-IGF2 readthrough; minus strand). Cytogenetic location: 11p15.5.
Variant type: single nucleotide variant.
Coding change: c.46G>A on transcript NM_001127598.3; coding-DNA position 46, G replaced by A.
Protein change: p.Glu16Lys; replaces glutamic acid 16 with lysine.
Molecular consequence: missense variant. On other transcripts: intron variant (2).
Genome position (GRCh38, 1-based): chr11:2,140,251, C>T on the plus strand (G>A on the coding strand, the complement: IGF2 is on the minus strand). VCF-style: chr11-2140251-C-T. GRCh37 (hg19) VCF-style: chr11-2161481-C-T.
Other names: c.-6-4722G>A (NM_001007139.6); c.-7+606G>A (NM_001291862.3); short protein forms E16K.
Identifiers: ClinVar variation 3373015 (VCV003373015.1).